The following is an entry in ClinVar:

ClinVar aggregate classification (germline): Pathogenic (1 of 4 stars; one submission).

Conditions:
Thrombophilia due to protein S deficiency, autosomal recessive (THPH6). Identifiers: Orphanet 743, MedGen C3281092, MONDO:0013791, OMIM 614514. Disease mechanism: loss of function.

Submission:

Labcorp Genetics (formerly Invitae), Labcorp
Classification: Pathogenic for Thrombophilia due to protein S deficiency, autosomal recessive. Last evaluated: 2025-02-04. Review status: criteria provided, single submitter. Criteria: Invitae Variant Classification Sherloc (09022015). Collection method: clinical testing. Allele origin: germline.
Comment: This sequence change affects the initiator methionine of the PROS1 mRNA. The next in-frame methionine is located at codon 132. This variant is not present in population databases (gnomAD no frequency). Disruption of the initiator codon has been observed in individuals with protein S deficiency (internal data). ClinVar contains an entry for this variant (Variation ID: 1452101). This variant disrupts a region of the PROS1 protein in which other variant(s) (p.Glu67Ala) have been determined to be pathogenic (PMID: 7803790, 15712777, 20880255, 22261441, 27748013). This suggests that this is a clinically significant region of the protein, and that variants that disrupt it are likely to be disease-causing. For these reasons, this variant has been classified as Pathogenic.

Literature cited by the submitters: PubMed 7803790; PubMed 15712777; PubMed 20880255; PubMed 22261441; PubMed 27748013.

NM_000313.4(PROS1):c.3G>C (p.Met1Ile)

Gene: PROS1 (protein S; minus strand). Cytogenetic location: 3q11.1.
Variant type: single nucleotide variant.
Coding change: c.3G>C on transcript NM_000313.4 (MANE Select); coding-DNA position 3, G replaced by C.
Protein change: p.Met1Ile; changes the start codon (methionine 1).
Molecular consequence: missense variant, initiator codon variant.
Genome position (GRCh38, 1-based): chr3:93,973,747, C>G on the plus strand (G>C on the coding strand, the complement: PROS1 is on the minus strand). VCF-style: chr3-93973747-C-G. GRCh37 (hg19) VCF-style: chr3-93692591-C-G.
Other names: c.3G>C, p.Met1Ile (NM_001314077.2); short protein forms M1I.
Identifiers: ClinVar variation 1452101 (VCV001452101.6), dbSNP rs1403076049, ClinGen allele CA353674385.